The following is an entry in ClinVar:

ClinVar aggregate classification (germline): Uncertain significance (1 of 4 stars; one submission).

Submission:

Labcorp Genetics (formerly Invitae), Labcorp
Classification: Uncertain significance. Last evaluated: 2022-12-02. Review status: criteria provided, single submitter. Criteria: Invitae Variant Classification Sherloc (09022015). Collection method: clinical testing. Allele origin: germline.
Comment: In summary, the available evidence is currently insufficient to determine the role of this variant in disease. Therefore, it has been classified as a Variant of Uncertain Significance. This sequence change results in a frameshift in the KRT74 gene (p.Gly508Glufs*53). While this is not anticipated to result in nonsense mediated decay, it is expected to disrupt the last 22 amino acid(s) of the KRT74 protein and extend the protein by 30 additional amino acid residues. The frequency data for this variant in the population databases is considered unreliable, as metrics indicate poor data quality at this position in the gnomAD database. This variant has not been reported in the literature in individuals affected with KRT74-related conditions. Experimental studies and prediction algorithms are not available or were not evaluated, and the functional significance of this variant is currently unknown.

NM_175053.4(KRT74):c.1523del (p.Gly508fs)

Gene: KRT74 (keratin 74; minus strand). Cytogenetic location: 12q13.13.
Variant type: Deletion.
Coding change: c.1523del on transcript NM_175053.4 (MANE Select); coding-DNA position 1523, one base deleted (G; older notation c.1523delG).
Protein change: p.Gly508fs; shifts the reading frame from glycine 508.
Molecular consequence: frameshift variant.
Genome position (GRCh38, 1-based): chr12:52,567,036, C deleted on the plus strand (G on the coding strand, the reverse complement: KRT74 is on the minus strand); the first of 5 consecutive C bases (chr12:52,567,036-52,567,040); deleting any one gives the same sequence. VCF-style (leftmost placement, unchanged base first): chr12-52567035-TC-T. GRCh37 (hg19) VCF-style: chr12-52960819-TC-T.
Other names: short protein forms G508fs.
Identifiers: ClinVar variation 2956559 (VCV002956559.3), dbSNP rs758691730, ClinGen allele CA6583613.